The following is an entry in ClinVar:

NM_080732.4(EGLN2):c.311G>T (p.Cys104Phe)

Genes: EGLN2 (egl-9 family hypoxia inducible factor 2; plus strand), RAB4B-EGLN2 (RAB4B-EGLN2 readthrough (NMD candidate); plus strand). Cytogenetic location: 19q13.2.
Variant type: single nucleotide variant.
Coding change: c.311G>T on transcript NM_080732.4 (MANE Select); coding-DNA position 311, G replaced by T.
Protein change: p.Cys104Phe; replaces cysteine 104 with phenylalanine.
Molecular consequence: missense variant. On other transcripts: non-coding transcript variant (1).
Genome position (GRCh38, 1-based): chr19:40,800,883, G>T. VCF-style: chr19-40800883-G-T. GRCh37 (hg19) VCF-style: chr19-41306788-G-T.
Other names: c.311G>T, p.Cys104Phe (NM_053046.4); short protein forms C104F.
Identifiers: ClinVar variation 3228997 (VCV003228997.1), dbSNP rs2515993525, ClinGen allele CA405954991.

ClinVar aggregate classification (germline): Uncertain significance (1 of 4 stars; one submission).

Allele frequency attached by ClinVar (database versions not stated): gnomAD exomes below 0.00001.
gnomAD v4.1: 3 of 1,611,080 alleles (0.00019%); highest among the groups gnomAD compares: Non-Finnish European, 0.00017%; no homozygotes.

Submission:

Ambry Genetics
Classification: Uncertain significance. Last evaluated: 2023-10-13. Review status: criteria provided, single submitter. Criteria: Ambry Variant Classification Scheme 2023. Collection method: clinical testing. Allele origin: germline.
Comment: The p.C104F variant (also known as c.311G>T), located in coding exon 1 of the EGLN2 gene, results from a G to T substitution at nucleotide position 311. The cysteine at codon 104 is replaced by phenylalanine, an amino acid with highly dissimilar properties. This amino acid position is conserved. In addition, this alteration is predicted to be tolerated by in silico analysis. Since supporting evidence is limited at this time, the clinical significance of this alteration remains unclear.